The following is an entry in ClinVar:

NM_021072.4(HCN1):c.1775A>G (p.Asp592Gly)

Gene: HCN1 (hyperpolarization activated cyclic nucleotide gated potassium channel 1; minus strand). Cytogenetic location: 5p12.
Variant type: single nucleotide variant.
Coding change: c.1775A>G on transcript NM_021072.4 (MANE Select); coding-DNA position 1775, A replaced by G.
Protein change: p.Asp592Gly; replaces aspartic acid 592 with glycine.
Molecular consequence: missense variant.
Genome position (GRCh38, 1-based): chr5:45,267,097, T>C on the plus strand (A>G on the coding strand, the complement: HCN1 is on the minus strand). VCF-style: chr5-45267097-T-C. GRCh37 (hg19) VCF-style: chr5-45267199-T-C.
Other names: short protein forms D592G.
Identifiers: ClinVar variation 1699892 (VCV001699892.4), dbSNP rs1166669677, ClinGen allele CA359705612.

ClinVar aggregate classification (germline): Uncertain significance (1 of 4 stars; one submission).

Conditions:
Developmental and epileptic encephalopathy, 24 (DEE24). Also called: Epileptic encephalopathy, early infantile, 24. Identifiers: Orphanet 442835, MedGen C4014531, MONDO:0014377, OMIM 615871.
Generalized epilepsy with febrile seizures plus, type 10. Also called: GEFS+, TYPE 10. Identifiers: MedGen C5193120, MONDO:0032777, OMIM 618482.

Allele frequency attached by ClinVar (database versions not stated): gnomAD 0.00001.
gnomAD v4.1: 1 of 1,612,614 alleles (0.000062%); highest among the groups gnomAD compares: Non-Finnish European, 0.000085%; no homozygotes.

Submission:

GeneDx
Classification: Uncertain significance. Last evaluated: 2025-08-24. Review status: criteria provided, single submitter. Criteria: GeneDx Variant Classification Process June 2021. Collection method: clinical testing. Allele origin: germline.
Comment: Not observed at significant frequency in large population cohorts (gnomAD); In silico analysis supports that this missense variant has a deleterious effect on protein structure/function; Has not been previously published as pathogenic or benign to our knowledge